The following is an entry in ClinVar:

NM_001367624.2(ZNF469):c.5862C>G (p.Pro1954=)

Gene: ZNF469 (zinc finger protein 469; plus strand). Cytogenetic location: 16q24.2.
Variant type: single nucleotide variant.
Coding change: c.5862C>G on transcript NM_001367624.2 (MANE Select); coding-DNA position 5862, C replaced by G.
Protein change: p.Pro1954=; no amino-acid change (proline 1954 retained).
Molecular consequence: synonymous variant.
Genome position (GRCh38, 1-based): chr16:88,433,332, C>G. VCF-style: chr16-88433332-C-G. GRCh37 (hg19) VCF-style: chr16-88499740-C-G.
Other names: NM_001127464.1:c.5778C>G; NM_001127464.2:c.5778C>G.
Identifiers: ClinVar variation 320947 (VCV000320947.22), dbSNP rs201666199, ClinGen allele CA8225112.

ClinVar aggregate classification (germline): Benign/Likely benign. Review status: criteria provided, multiple submitters, no conflicts (2 of 4 stars). 7 submissions from 7 submitters: Benign (1); Likely benign (5). 1 of the submissions does not count toward it. Last evaluated 2026-02-02.

Conditions:
ZNF469-related disorder. Also called: ZNF469-related condition.
Cardiovascular phenotype. Identifiers: MedGen CN230736.
Ehlers-Danlos syndrome (EDS). Identifiers: Orphanet 98249, MedGen C0013720, MONDO:0020066.

Allele frequency attached by ClinVar (database versions not stated): TOPMed 0.00037; 1000 Genomes Project 0.00060; 1000 Genomes Project 30x 0.00078.
gnomAD v4.1: 419 of 1,550,300 alleles (0.027%); highest among the groups gnomAD compares: East Asian, 0.94%; 1 homozygote.

Submissions (7):

Women's Health and Genetics/Laboratory Corporation of America, LabCorp
Classification: Likely benign. Last evaluated: 2026-02-02. Review status: criteria provided, single submitter. Criteria: LabCorp Variant Classification Summary - May 2015. Collection method: clinical testing. Allele origin: germline.

Labcorp Genetics (formerly Invitae), Labcorp
Classification: Likely benign. Last evaluated: 2026-01-09. Review status: criteria provided, single submitter. Criteria: Invitae Variant Classification Sherloc (09022015). Collection method: clinical testing. Allele origin: germline.

Blueprint Genetics
Classification: Likely benign. Last evaluated: 2024-10-02. Review status: criteria provided, single submitter. Criteria: ACMG Guidelines, 2015. Collection method: clinical testing. Allele origin: germline.

Ambry Genetics
Classification: Benign for Cardiovascular phenotype. Last evaluated: 2021-05-21. Review status: criteria provided, single submitter. Criteria: Ambry Variant Classification Scheme 2023. Collection method: clinical testing. Allele origin: germline.

Genome Diagnostics Laboratory, The Hospital for Sick Children
Classification: Likely benign for Ehlers-Danlos syndrome. Last evaluated: 2021-04-14. Review status: criteria provided, single submitter. Criteria: ACMG Guidelines, 2015. Collection method: clinical testing. Allele origin: germline.

GeneDx
Classification: Likely benign. Last evaluated: 2019-08-13. Review status: criteria provided, single submitter. Criteria: GeneDx Variant Classification Process June 2021. Collection method: clinical testing. Allele origin: germline. Affected: yes.

PreventionGenetics, part of Exact Sciences
Classification: Benign for ZNF469-related condition. Last evaluated: 2024-07-29. Review status: no assertion criteria provided. Collection method: clinical testing. Allele origin: germline. Not counted in ClinVar's aggregate classification.
Comment: This variant is classified as benign based on ACMG/AMP sequence variant interpretation guidelines (Richards et al. 2015 PMID: 25741868, with internal and published modifications).